The following is an entry in ClinVar:

ClinVar aggregate classification (germline): Uncertain significance. Review status: criteria provided, multiple submitters, no conflicts (2 of 4 stars). 2 submissions from 2 submitters: Uncertain significance (2). Last evaluated 2024-12-30.

Conditions:
Hereditary antithrombin deficiency (AT3D). Also called: Antithrombin deficiency; Antithrombin III deficiency; Thrombophilia due to antithrombin III deficiency; Reduced antithrombin III activity. Identifiers: Orphanet 82, MedGen C0272375, MONDO:0013144, OMIM 613118, HP:0001976.

Allele frequency attached by ClinVar (database versions not stated): ExAC 0.00002; gnomAD exomes 0.00003; gnomAD 0.00018 and 0.00021; TOPMed 0.00051.
gnomAD v4.1: 51 of 1,614,134 alleles (0.0032%); highest among the groups gnomAD compares: Admixed American, 0.058%; no homozygotes.

Submissions (2):

Labcorp Genetics (formerly Invitae), Labcorp
Classification: Uncertain significance for Hereditary antithrombin deficiency. Last evaluated: 2024-12-30. Review status: criteria provided, single submitter. Criteria: Invitae Variant Classification Sherloc (09022015). Collection method: clinical testing. Allele origin: germline.
Comment: This sequence change replaces isoleucine, which is neutral and non-polar, with threonine, which is neutral and polar, at codon 422 of the SERPINC1 protein (p.Ile422Thr). This variant is present in population databases (rs772809607, gnomAD 0.01%). This missense change has been observed in individual(s) with clinical features of antithrombin III deficiency (PMID: 27749296). ClinVar contains an entry for this variant (Variation ID: 968665). Invitae Evidence Modeling of protein sequence and biophysical properties (such as structural, functional, and spatial information, amino acid conservation, physicochemical variation, residue mobility, and thermodynamic stability) has been performed for this missense variant. However, the output from this modeling did not meet the statistical confidence thresholds required to predict the impact of this variant on SERPINC1 protein function. In summary, the available evidence is currently insufficient to determine the role of this variant in disease. Therefore, it has been classified as a Variant of Uncertain Significance.

Fulgent Genetics
Classification: Uncertain significance for Hereditary antithrombin deficiency. Last evaluated: 2021-09-08. Review status: criteria provided, single submitter. Criteria: ACMG Guidelines, 2015. Collection method: clinical testing. Allele origin: unknown.

Literature cited by the submitters: PubMed 27749296 (cited by Labcorp Genetics (formerly Invitae), Labcorp).

NM_000488.4(SERPINC1):c.1265T>C (p.Ile422Thr)

Gene: SERPINC1 (serpin family C member 1; minus strand). Cytogenetic location: 1q25.1.
Variant type: single nucleotide variant.
Coding change: c.1265T>C on transcript NM_000488.4 (MANE Select); coding-DNA position 1265, T replaced by C.
Protein change: p.Ile422Thr; replaces isoleucine 422 with threonine.
Molecular consequence: missense variant.
Genome position (GRCh38, 1-based): chr1:173,904,019, A>G on the plus strand (T>C on the coding strand, the complement: SERPINC1 is on the minus strand). VCF-style: chr1-173904019-A-G. GRCh37 (hg19) VCF-style: chr1-173873157-A-G.
Other names: c.1121T>C, p.Ile374Thr (NM_001365052.2); c.1388T>C, p.Ile463Thr (NM_001386302.1); c.1346T>C, p.Ile449Thr (NM_001386303.1); c.1244T>C, p.Ile415Thr (NM_001386304.1); c.1208T>C, p.Ile403Thr (NM_001386305.1); c.1049T>C, p.Ile350Thr (NM_001386306.1); short protein forms I374T, I422T, I350T, I403T, I415T, I449T, I463T.
Identifiers: ClinVar variation 968665 (VCV000968665.6), dbSNP rs772809607, ClinGen allele CA1251223.
Genomic context (GRCh38, chr1:173,904,019, plus strand): 5'-ACCAGGAAAGGCCTGTTGGCCTTGAAAGTCACCCTGTTGGGGTTTAGCGAACGGCCAGCA[A>G]TCACAACAGCGGTACTTGCAGCTGCTTCACTGCCTTCTTCATTTACCTGCAGGTCACATG-3'
Protein context (NP_000479.1, residues 412-432): SEAAASTAVV[Ile422Thr]AGRSLNPNRV